The following is an entry in ClinVar:

ClinVar aggregate classification (germline): Likely pathogenic (1 of 4 stars; one submission).

Conditions:
Ethylmalonic encephalopathy (EE). Also called: EPEMA syndrome; Encephalopathy, petechiae, and ethylmalonic aciduria; Syndrome of encephalopathy, petechiae, and ethylmalonic aciduria. Identifiers: Orphanet 51188, MedGen C1865349, MONDO:0011229, OMIM 602473. Disease mechanism: loss of function.

Submission:

Natera, Inc.
Classification: Likely pathogenic for Ethylmalonic encephalopathy. Last evaluated: 2024-05-01. Review status: criteria provided, single submitter. Criteria: Natera Variant Classification Schema (03/2026). Collection method: clinical testing. Allele origin: germline.
Comment: The c.203dupT variant in ETHE1 is a frameshift variant predicted to shift the reading frame beginning at codon 70 and leads to a stop codon 37 codons downstream. This variant is expected to result in nonsense mediated decay, truncation, or a dysfunctional protein product. This variant is rare in the general population with a frequency below the threshold expected for the associated phenotype(s). Given the available evidence, this variant is classified as Likely Pathogenic.

NM_014297.5(ETHE1):c.203dup (p.Leu70fs)

Gene: ETHE1 (ETHE1 persulfide dioxygenase; minus strand). Cytogenetic location: 19q13.31.
Variant type: Duplication.
Coding change: c.203dup on transcript NM_014297.5 (MANE Select); coding-DNA position 203, one base duplicated (T; older notation c.203dupT).
Protein change: p.Leu70fs; shifts the reading frame from leucine 70.
Molecular consequence: frameshift variant. On other transcripts: 5 prime UTR variant (1), intron variant (1).
Genome position (GRCh38, 1-based): chr19:43,526,538, A duplicated on the plus strand (T on the coding strand, the reverse complement: ETHE1 is on the minus strand). VCF-style (leftmost placement, unchanged base first): chr19-43526537-C-CA. GRCh37 (hg19) VCF-style: chr19-44030689-C-CA.
Other names: c.203dup, p.Leu70fs (NM_001320867.2); c.-18dup (NM_001320868.2); c.81+559dup (NM_001320869.2); short protein forms L70fs.
Identifiers: ClinVar variation 4815654 (VCV004815654.1).